The following is an entry in ClinVar:

NM_000245.4(MET):c.1245del (p.Glu415fs)

Gene: MET (MET proto-oncogene, receptor tyrosine kinase; plus strand). Cytogenetic location: 7q31.2.
Variant type: Deletion.
Coding change: c.1245del on transcript NM_000245.4 (MANE Select); coding-DNA position 1245, one base deleted (A; older notation c.1245delA).
Protein change: p.Glu415fs; shifts the reading frame from glutamic acid 415.
Molecular consequence: frameshift variant. On other transcripts: 5 prime UTR variant (1).
Genome position (GRCh38, 1-based): chr7:116,731,712, A deleted; the last of 2 consecutive A bases (chr7:116,731,711-116,731,712); deleting either gives the same sequence. VCF-style (leftmost placement, unchanged base first): chr7-116731710-GA-G. GRCh37 (hg19) VCF-style: chr7-116371764-GA-G.
Other names: c.1245del, p.Glu415fs (NM_001127500.3, NM_001324401.3); c.-46del (NM_001324402.2); short protein forms E415fs.
Identifiers: ClinVar variation 4647207 (VCV004647207.1).
Genomic context (GRCh38, chr7:116,731,710, plus strand): 5'-GACCATATTTTATTCCAGACACTTCTGAGAAATTCATCAGGCTGTGAAGCGCGCCGTGAT[GA>G]ATATCGAACAGAGTTTACCACAGCTTTGCAGCGCGTTGACTTATTCATGGGTCAATTCAG-3'

ClinVar aggregate classification (germline): Uncertain significance (1 of 4 stars; one submission).

Conditions:
Hereditary cancer-predisposing syndrome. Also called: Neoplastic Syndromes, Hereditary; Tumor predisposition; Hereditary Cancer Syndrome; Hereditary neoplastic syndrome. Identifiers: Orphanet 140162, MedGen C0027672, MeSH D009386, MONDO:0015356.

Submission:

Ambry Genetics
Classification: Uncertain significance for Hereditary cancer-predisposing syndrome. Last evaluated: 2025-11-06. Review status: criteria provided, single submitter. Criteria: Ambry Variant Classification Scheme 2023. Collection method: clinical testing. Allele origin: germline.
Comment: The c.1245delA variant, located in coding exon 2 of the MET gene, results from a deletion of one nucleotide at nucleotide position 1245, causing a translational frameshift with a predicted alternate stop codon (p.E415Dfs*25). This alteration is expected to result in protein truncation or nonsense-mediated mRNA decay. However, loss of function has not been established as a mechanism of disease. Based on the available evidence, the clinical significance of this alteration remains unclear.